The following is an entry in ClinVar:

NM_006922.4(SCN3A):c.3631T>C (p.Phe1211Leu)

Gene: SCN3A (sodium voltage-gated channel alpha subunit 3; minus strand). Cytogenetic location: 2q24.3.
Variant type: single nucleotide variant.
Coding change: c.3631T>C on transcript NM_006922.4 (MANE Select); coding-DNA position 3631, T replaced by C.
Protein change: p.Phe1211Leu; replaces phenylalanine 1211 with leucine.
Molecular consequence: missense variant.
Genome position (GRCh38, 1-based): chr2:165,113,854, A>G on the plus strand (T>C on the coding strand, the complement: SCN3A is on the minus strand). VCF-style: chr2-165113854-A-G. GRCh37 (hg19) VCF-style: chr2-165970364-A-G.
Other names: c.3484T>C, p.Phe1162Leu (NM_001081676.2, NM_001081677.2); c.3631T>C (NM_006922.3); short protein forms F1162L, F1211L.
Identifiers: ClinVar variation 1063661 (VCV001063661.9), dbSNP rs2105710435, ClinGen allele CA349033425.

ClinVar aggregate classification (germline): Uncertain significance. Review status: criteria provided, multiple submitters, no conflicts (2 of 4 stars). 2 submissions from 2 submitters: Uncertain significance (2). Last evaluated 2025-04-20.

Submissions (2):

Labcorp Genetics (formerly Invitae), Labcorp
Classification: Uncertain significance. Last evaluated: 2025-04-20. Review status: criteria provided, single submitter. Criteria: Invitae Variant Classification Sherloc (09022015). Collection method: clinical testing. Allele origin: germline.
Comment: This sequence change replaces phenylalanine, which is neutral and non-polar, with leucine, which is neutral and non-polar, at codon 1211 of the SCN3A protein (p.Phe1211Leu). This variant is not present in population databases (gnomAD no frequency). This variant has not been reported in the literature in individuals affected with SCN3A-related conditions. ClinVar contains an entry for this variant (Variation ID: 1063661). Invitae Evidence Modeling of protein sequence and biophysical properties (such as structural, functional, and spatial information, amino acid conservation, physicochemical variation, residue mobility, and thermodynamic stability) has been performed for this missense variant. However, the output from this modeling did not meet the statistical confidence thresholds required to predict the impact of this variant on SCN3A protein function. In summary, the available evidence is currently insufficient to determine the role of this variant in disease. Therefore, it has been classified as a Variant of Uncertain Significance.

GeneDx
Classification: Uncertain significance. Last evaluated: 2023-11-06. Review status: criteria provided, single submitter. Criteria: GeneDx Variant Classification Process June 2021. Collection method: clinical testing. Allele origin: germline. Affected: yes.
Comment: Not observed at significant frequency in large population cohorts (gnomAD); In silico analysis supports that this missense variant has a deleterious effect on protein structure/function; Has not been previously published as pathogenic or benign to our knowledge